The following is an entry in ClinVar:

ClinVar aggregate classification (germline): Uncertain significance (1 of 4 stars; one submission).

Conditions:
Granulomatous disease, chronic, autosomal recessive, cytochrome b-negative. Also called: GRANULOMATOUS DISEASE, CHRONIC, AUTOSOMAL RECESSIVE, 4; Chronic granulomatous disease, autosomal, due to deficiency of CYBA; CGD DUE TO DEFICIENCY OF THE ALPHA SUBUNIT OF CYTOCHROME b; CGD, AUTOSOMAL RECESSIVE CYTOCHROME b-NEGATIVE; CYBA DEFICIENCY. Identifiers: Orphanet 379, MedGen C1856255, MONDO:0009308, OMIM 233690.

gnomAD v4.1: 1 of 1,531,768 alleles (0.000065%); highest among the groups gnomAD compares: African/African-American, 0.0014%; no homozygotes.

Submission:

Labcorp Genetics (formerly Invitae), Labcorp
Classification: Uncertain significance for Granulomatous disease, chronic, autosomal recessive, cytochrome b-negative. Last evaluated: 2019-02-23. Review status: criteria provided, single submitter. Criteria: Invitae Variant Classification Sherloc (09022015). Collection method: clinical testing. Allele origin: germline.
Comment: In summary, the available evidence is currently insufficient to determine the role of this variant in disease. Therefore, it has been classified as a Variant of Uncertain Significance. Algorithms developed to predict the effect of missense changes on protein structure and function are either unavailable or do not agree on the potential impact of this missense change (SIFT: "Deleterious"; PolyPhen-2: "Probably Damaging"; Align-GVGD: "Class C0"). This variant has not been reported in the literature in individuals with CYBA-related conditions. The frequency data for this variant in the population databases is considered unreliable, as metrics indicate insufficient coverage at this position in the ExAC database. This sequence change replaces proline with arginine at codon 160 of the CYBA protein (p.Pro160Arg). The proline residue is highly conserved and there is a moderate physicochemical difference between proline and arginine.

NM_000101.4(CYBA):c.479C>G (p.Pro160Arg)

Gene: CYBA (cytochrome b-245 alpha chain; minus strand). Cytogenetic location: 16q24.2.
Variant type: single nucleotide variant.
Coding change: c.479C>G on transcript NM_000101.4 (MANE Select); coding-DNA position 479, C replaced by G.
Protein change: p.Pro160Arg; replaces proline 160 with arginine.
Molecular consequence: missense variant.
Genome position (GRCh38, 1-based): chr16:88,643,462, G>C on the plus strand (C>G on the coding strand, the complement: CYBA is on the minus strand). VCF-style: chr16-88643462-G-C. GRCh37 (hg19) VCF-style: chr16-88709870-G-C.
Other names: short protein forms P160R.
Identifiers: ClinVar variation 864020 (VCV000864020.10), dbSNP rs1247886457, ClinGen allele CA397057011.